The following is an entry in ClinVar:

ClinVar aggregate classification (germline): Likely pathogenic (3 of 4 stars; one submission).

Conditions:
Hereditary factor IX deficiency disease (HEMB). Also called: F9 DEFICIENCY; FACTOR IX DEFICIENCY; PLASMA THROMBOPLASTIN COMPONENT DEFICIENCY; Hemophilia B; Christmas Disease. Identifiers: Orphanet 98879, MedGen C0008533, MeSH D002836, MONDO:0010604, OMIM 306900.

Submission:

ClinGen Coagulation Factor Deficiency Variant Curation Expert Panel, Clingen
Classification: Likely pathogenic for Hereditary factor IX deficiency disease. Last evaluated: 2025-10-03. Review status: reviewed by expert panel. Criteria: ClinGen CoagFactor ACMG Specifications F9 V1.0.0. Collection method: curation. Allele origin: germline. Inheritance: X-linked inheritance.
Comment: The c.802T>G (NM_000133.4) variant in F9 is a missense variant predicted to cause substitution of cysteine by glycine at amino acid 268 (p.Cys268Gly). There is at least 1 proband with isolated reduction in FIX activity levels meeting phenotypic criteria for F9, with assumed de novo occurrence (PS4_Supporting & PS2_Moderate: PMID: 10647899). This variant is absent from males in population databases (gnomAD v2.1.1/gnomAD v3.1/ gnomAD v4.1.0), meeting PM2_Supporting. The computational predictor REVEL gives a score of 0.961, which is above the threshold of 0.6, evidence that correlates with impact to F9 function (PP3). A different missense variant causing a change at the same residue (p.Cys268Tyr) has been established as pathogenic for F9 and SpliceAI predicts no impact on splicing (PM5). In summary, this variant meets criteria to be classified as likely pathogenic. ACMG/AMP criteria applied, as specified by the Coagulation Factor Deficiency Variant Curation Expert Panel for F9: PS4_Supporting + PM2_Supporting + PP3 + PM5 + PS2_Moderate. (ClinGen Coagulation Factor Deficiency Expert Panel Specifications to the ACMG/AMP Variant Interpretation Guidelines for F9 Version 1.0.0., Released 10/5/2023).

NM_000133.4(F9):c.802T>G (p.Cys268Gly)

Gene: F9 (coagulation factor IX; plus strand). Cytogenetic location: Xq27.1.
Variant type: single nucleotide variant.
Coding change: c.802T>G on transcript NM_000133.4 (MANE Select); coding-DNA position 802, T replaced by G.
Protein change: p.Cys268Gly; replaces cysteine 268 with glycine.
Molecular consequence: missense variant.
Genome position (GRCh38, 1-based): chrX:139,560,819, T>G. VCF-style: chrX-139560819-T-G. GRCh37 (hg19) VCF-style: chrX-138642978-T-G.
Other names: NM_001313913.2:c.688T>G; c.688T>G, p.Cys230Gly (NM_001313913.2); short protein forms C230G, C268G.
Identifiers: ClinVar variation 4686604 (VCV004686604.1).
Genomic context (GRCh38, chrX:139,560,819, plus strand): 5'-GTTGATGCATTCTGTGGAGGCTCTATCGTTAATGAAAAATGGATTGTAACTGCTGCCCAC[T>G]GTGTTGAAACTGGTGTTAAAATTACAGTTGTCGCAGGTAAATACACAGAAAGAATAATAA-3'
Protein context (NP_000124.1, residues 258-278): NEKWIVTAAH[Cys268Gly]VETGVKITVV